The following is an entry in ClinVar:

ClinVar aggregate classification (germline): Pathogenic. Review status: reviewed by expert panel (3 of 4 stars). 10 submissions from 10 submitters: Pathogenic (1). 9 of the submissions do not count toward it. Last evaluated 2016-09-08.

Conditions:
Hereditary breast ovarian cancer syndrome. Also called: Hereditary breast and ovarian cancer syndrome; Hereditary breast and ovarian cancer; Hereditary breast and ovarian cancer syndrome (HBOC); Breast and ovarian cancer; Hereditary breast and/or ovarian cancer syndrome; BRCA1- and BRCA2-Associated Hereditary Breast and Ovarian Cancer. Identifiers: Orphanet 145, MedGen C0677776, MeSH D061325, MONDO:0003582. Disease mechanism: loss of function.
Breast-ovarian cancer, familial, susceptibility to, 2 (BROVCA2). Also called: BRCA2 Hereditary Breast and Ovarian Cancer. Identifiers: Orphanet 145, MedGen C2675520, MONDO:0012933, OMIM 612555. Disease mechanism: loss of function.
Breast and/or ovarian cancer. Identifiers: MedGen CN221562.
Hereditary cancer-predisposing syndrome. Also called: Neoplastic Syndromes, Hereditary; Tumor predisposition; Hereditary Cancer Syndrome; Hereditary neoplastic syndrome. Identifiers: Orphanet 140162, MedGen C0027672, MeSH D009386, MONDO:0015356.

Submissions (10):

Evidence-based Network for the Interpretation of Germline Mutant Alleles (ENIGMA)
Classification: Pathogenic for Breast-ovarian cancer, familial, susceptibility to, 2. Last evaluated: 2016-09-08. Review status: reviewed by expert panel. Criteria: ENIGMA BRCA1/2 Classification Criteria (2015). Collection method: curation. Allele origin: germline.
Comment: Variant allele predicted to encode a truncated non-functional protein.

Labcorp Genetics (formerly Invitae), Labcorp
Classification: Pathogenic for Hereditary breast ovarian cancer syndrome. Last evaluated: 2026-01-25. Review status: criteria provided, single submitter. Criteria: Invitae Variant Classification Sherloc (09022015). Collection method: clinical testing. Allele origin: germline. Not counted in ClinVar's aggregate classification.
Comment: This sequence change creates a premature translational stop signal (p.Asp752Phefs*19) in the BRCA2 gene. It is expected to result in an absent or disrupted protein product. Loss-of-function variants in BRCA2 are known to be pathogenic (PMID: 20104584). This variant is not present in population databases (gnomAD no frequency). This premature translational stop signal has been observed in individual(s) with breast cancer (PMID: 12070551, 20104584, 29409476). This variant is also known as 2482delGACT, Stop770. ClinVar contains an entry for this variant (Variation ID: 51260). For these reasons, this variant has been classified as Pathogenic.

GeneDx
Classification: Pathogenic. Last evaluated: 2025-07-09. Review status: criteria provided, single submitter. Criteria: GeneDx Variant Classification Process June 2021. Collection method: clinical testing. Allele origin: germline. Affected: yes. Not counted in ClinVar's aggregate classification.
Comment: Frameshift variant predicted to result in protein truncation or nonsense mediated decay in a gene for which loss-of-function is a known mechanism of disease; Truncating variants in this gene are considered pathogenic by a well-established clinical consortium and/or database; Not observed at significant frequency in large population cohorts (gnomAD); Also known as 2482_2485delGACT and 2482del4; This variant is associated with the following publications: (PMID: 12070551, 26187060, 20960228, 17233897, 23996866, 28486781, 28828701, 25780794, 29409476, 30675319, 33067490, 34290354, 32733560, 34413315)

Ambry Genetics
Classification: Pathogenic for Hereditary cancer-predisposing syndrome. Last evaluated: 2025-01-29. Review status: criteria provided, single submitter. Criteria: Ambry Variant Classification Scheme 2023. Collection method: clinical testing. Allele origin: germline. Not counted in ClinVar's aggregate classification.
Comment: The c.2254_2257delGACT pathogenic mutation, located in coding exon 10 of the BRCA2 gene, results from a deletion of 4 nucleotides at nucleotide positions 2254 to 2257, causing a translational frameshift with a predicted alternate stop codon (p.D752Ffs*19). This mutation has been reported in multiple individuals diagnosed with breast cancer (El-Harith el-HA et al. Saudi Med J. 2002 Jun;23:700-4; Borg A et al. Hum Mutat. 2010 Mar;31:E1200-40; Abdel-Razeq H et al. BMC Cancer. 2018 02;18:152; Abdel-Razeq H et al. J Oncol. 2020 Jul;2020:8362179). Of note, this alteration is also designated as 2482del4 in some published literature. This variant is considered to be rare based on population cohorts in the Genome Aggregation Database (gnomAD). In addition to the clinical data presented in the literature, this alteration is expected to result in loss of function by premature protein truncation or nonsense-mediated mRNA decay. As such, this alteration is interpreted as a disease-causing mutation.

Quest Diagnostics Nichols Institute San Juan Capistrano
Classification: Pathogenic. Last evaluated: 2024-01-05. Review status: criteria provided, single submitter. Criteria: Quest Diagnostics criteria. Collection method: clinical testing. Allele origin: unknown. Not counted in ClinVar's aggregate classification.
Comment: The BRCA2 c.2254_2257del (p.Asp752Phefs*19) variant (also known as 2482del4, 2482delGACT) alters the translational reading frame of the BRCA2 mRNA and causes the premature termination of BRCA2 protein synthesis. This variant has been reported in the published literature in multiple individuals with breast cancer (PMIDs: 33471991 (2021), 34290354 (2021), 33067490 (2020), 32733560 (2020), 29409476 (2018), 20104584 (2010), 12070551 (2002)). This variant has not been reported in large, multi-ethnic general populations (Genome Aggregation Database). Based on the available information, this variant is classified as pathogenic.

Color Diagnostics, LLC DBA Color Health
Classification: Pathogenic for Hereditary cancer-predisposing syndrome. Last evaluated: 2023-12-28. Review status: criteria provided, single submitter. Criteria: ACMG Guidelines, 2015. Collection method: clinical testing. Allele origin: germline. Not counted in ClinVar's aggregate classification.
Comment: This variant deletes 4 nucleotides in exon 11 of the BRCA2 gene, creating a frameshift and premature translation stop signal. This variant is expected to result in an absent or non-functional protein product. This variant has been observed in at least 9 individuals affected with breast cancer and most with family history of breast and ovarian cancer (PMID: 12070551, 29409476, 34290354). This variant has not been identified in the general population by the Genome Aggregation Database (gnomAD). Loss of BRCA2 function is a known mechanism of disease. Based on the available evidence, this variant is classified as Pathogenic.

Revvity Omics, Revvity
Classification: Pathogenic. Last evaluated: 2022-03-10. Review status: criteria provided, single submitter. Criteria: ACMG Guidelines, 2015. Collection method: clinical testing. Allele origin: germline. Not counted in ClinVar's aggregate classification.

CHEO Genetics Diagnostic Laboratory, Children's Hospital of Eastern Ontario
Classification: Uncertain significance for Breast and/or ovarian cancer. Last evaluated: 2017-07-27. Review status: criteria provided, single submitter. Criteria: ACMG Guidelines, 2015. Collection method: clinical testing. Allele origin: germline. Study: Canadian Open Genetics Repository. Not counted in ClinVar's aggregate classification.

Research Molecular Genetics Laboratory, Women's College Hospital, University of Toronto
Classification: Pathogenic for Hereditary breast ovarian cancer syndrome. Last evaluated: 2014-01-31. Review status: no assertion criteria provided. Collection method: research. Allele origin: germline. Affected: yes. Study: The Canadian Open Genetics Repository (COGR). Not counted in ClinVar's aggregate classification.

Breast Cancer Information Core (BIC) (BRCA2)
Classification: Pathogenic for Breast-ovarian cancer, familial 2. Last evaluated: 2002-05-29. Review status: no assertion criteria provided. Collection method: clinical testing. Allele origin: germline. Affected: yes. Observed: 1 variant allele. Not counted in ClinVar's aggregate classification.

Literature cited by the submitters: PubMed 20104584 (cited by 3 submitters); PubMed 12070551 (cited by 4 submitters); PubMed 29409476 (cited by 4 submitters); PubMed 32733560 (cited by Ambry Genetics and Quest Diagnostics Nichols Institute San Juan Capistrano); PubMed 33471991 (cited by Quest Diagnostics Nichols Institute San Juan Capistrano); PubMed 34413315 (cited by Quest Diagnostics Nichols Institute San Juan Capistrano); PubMed 34290354 (cited by Quest Diagnostics Nichols Institute San Juan Capistrano and Color Diagnostics, LLC DBA Color Health); PubMed 33067490 (cited by Quest Diagnostics Nichols Institute San Juan Capistrano).

NM_000059.4(BRCA2):c.2254_2257del (p.Asp752fs)

Gene: BRCA2 (BRCA2 DNA repair associated; plus strand). Cytogenetic location: 13q13.1.
Variant type: Deletion.
Coding change: c.2254_2257del on transcript NM_000059.4 (MANE Select); coding-DNA positions 2254 to 2257, 4 bases deleted (GACT; older notation c.2254_2257delGACT).
Protein change: p.Asp752fs; shifts the reading frame from aspartic acid 752.
Molecular consequence: frameshift variant.
Genome position (GRCh38, 1-based): chr13:32,336,609-32,336,612, GACT deleted; deleting any 4 consecutive bases within chr13:32,336,606-32,336,612 gives the same sequence; the c. name uses the placement nearest the transcript's 3' end. VCF-style (leftmost placement, unchanged base first): chr13-32336605-TACTG-T. GRCh37 (hg19) VCF-style: chr13-32910742-TACTG-T.
Other names: 2482del4; c.2254_2257delGACT (NM_000059.3).
Identifiers: ClinVar variation 51260 (VCV000051260.25), dbSNP rs80359326, ClinGen allele CA014764.